The following is an entry in ClinVar:

NM_005413.4(SIX3):c.785G>A (p.Arg262His)

Gene: SIX3 (SIX homeobox 3; plus strand). Cytogenetic location: 2p21.
Variant type: single nucleotide variant.
Coding change: c.785G>A on transcript NM_005413.4 (MANE Select); coding-DNA position 785, G replaced by A.
Protein change: p.Arg262His; replaces arginine 262 with histidine.
Molecular consequence: missense variant.
Genome position (GRCh38, 1-based): chr2:44,942,889, G>A. VCF-style: chr2-44942889-G-A. GRCh37 (hg19) VCF-style: chr2-45170028-G-A.
Other names: short protein forms R262H.
Identifiers: ClinVar variation 3720328 (VCV003720328.2).

ClinVar aggregate classification (germline): Uncertain significance (1 of 4 stars; one submission).

Conditions:
Holoprosencephaly 2 (HPE2). Identifiers: Orphanet 2162, MedGen C1834877, MONDO:0007999, OMIM 157170.

Submission:

Labcorp Genetics (formerly Invitae), Labcorp
Classification: Uncertain significance for Holoprosencephaly 2. Last evaluated: 2025-02-10. Review status: criteria provided, single submitter. Criteria: Invitae Variant Classification Sherloc (09022015). Collection method: clinical testing. Allele origin: germline.
Comment: This sequence change replaces arginine, which is basic and polar, with histidine, which is basic and polar, at codon 262 of the SIX3 protein (p.Arg262His). This variant is not present in population databases (gnomAD no frequency). This missense change has been observed in individual(s) with holoprosencephaly (PMID: 18791198). Invitae Evidence Modeling of protein sequence and biophysical properties (such as structural, functional, and spatial information, amino acid conservation, physicochemical variation, residue mobility, and thermodynamic stability) indicates that this missense variant is expected to disrupt SIX3 protein function with a positive predictive value of 80%. Experimental studies have shown that this missense change affects SIX3 function (PMID: 18791198). In summary, the available evidence is currently insufficient to determine the role of this variant in disease. Therefore, it has been classified as a Variant of Uncertain Significance.

Literature cited by the submitters: PubMed 18791198.